The following is an entry in ClinVar:

ClinVar aggregate classification (germline): Uncertain significance. Review status: criteria provided, multiple submitters, no conflicts (2 of 4 stars). 2 submissions from 2 submitters: Uncertain significance (2). Last evaluated 2024-11-25.

Conditions:
Colorectal cancer, hereditary nonpolyposis, type 7. Identifiers: Orphanet 144, MedGen C1858380, MONDO:0013725, OMIM 614385.

Submissions (2):

Labcorp Genetics (formerly Invitae), Labcorp
Classification: Uncertain significance for Colorectal cancer, hereditary nonpolyposis, type 7. Last evaluated: 2024-11-25. Review status: criteria provided, single submitter. Criteria: Invitae Variant Classification Sherloc (09022015). Collection method: clinical testing. Allele origin: germline.
Comment: This variant, c.2449_2451del, results in the deletion of 1 amino acid(s) of the MLH3 protein (p.Ser817del), but otherwise preserves the integrity of the reading frame. This variant is present in population databases (rs769360094, gnomAD 0.002%). This variant has not been reported in the literature in individuals affected with MLH3-related conditions. Experimental studies and prediction algorithms are not available or were not evaluated, and the functional significance of this variant is currently unknown. In summary, the available evidence is currently insufficient to determine the role of this variant in disease. Therefore, it has been classified as a Variant of Uncertain Significance.

Ambry Genetics
Classification: Uncertain significance. Last evaluated: 2023-02-28. Review status: criteria provided, single submitter. Criteria: Ambry Variant Classification Scheme 2023. Collection method: clinical testing. Allele origin: germline.
Comment: The c.2449_2451delAGT variant (also known as p.S817del) is located in coding exon 1 of the MLH3 gene. This variant results from an in-frame AGT deletion at nucleotide positions 2449 to 2451. This results in the in-frame deletion of a serine at codon 817. This amino acid position is not well conserved in available vertebrate species. The evidence for this gene-disease relationship is limited; therefore, the clinical significance of this alteration is unclear.

NM_001040108.2(MLH3):c.2446AGT[1] (p.Ser817del)

Gene: MLH3 (mutL homolog 3; minus strand). Cytogenetic location: 14q24.3.
Variant type: Microsatellite.
Coding change: c.2446AGT[1] on transcript NM_001040108.2 (MANE Select); one copy of the 3-base unit AGT starting at c.2446; the reference has two copies in a row; one copy, 3 bases deleted.
Protein change: p.Ser817del; deletes serine 817.
Molecular consequence: inframe deletion. On other transcripts: inframe indel (2).
Genome position (GRCh38, 1-based): chr14:75,047,205-75,047,207, ACT deleted on the plus strand (AGT on the coding strand, the reverse complement: MLH3 is on the minus strand); deleting any 3 consecutive bases within chr14:75,047,205-75,047,211 gives the same sequence; the position shown is the placement nearest the transcript's 3' end. VCF-style (leftmost placement, unchanged base first): chr14-75047204-AACT-A. GRCh37 (hg19) VCF-style: chr14-75513907-AACT-A.
Other names: c.2449_2451delAGT (NM_001040108.1); c.2445_2447TAG[1], p.Ser817del (NM_001040108.1); c.2446AGT[1], p.Ser817del (NM_014381.3); short protein forms S817del.
Identifiers: ClinVar variation 2497052 (VCV002497052.4), dbSNP rs769360094, ClinGen allele CA7275702.
Genomic context (GRCh38, chr14:75,047,204, plus strand): 5'-AATCTTCATCCTTGGAGAATGGAAACTTCTCTGAGTTAAGGATGTGGCTTGCTGGTTGAC[AACT>A]ACTATCTGAATCACTATGCTCCATAGTAGTGATTTTACAAACATCAGAGTTCTCTAAGCG-3'